The following is an entry in ClinVar:

ClinVar aggregate classification (germline): Conflicting classifications of pathogenicity. Review status: criteria provided, conflicting classifications (1 of 4 stars). 7 submissions from 7 submitters: Uncertain significance (3); Likely benign (4). Last evaluated 2026-01-25.

Conditions:
TTN-related disorder. Also called: TTN-related condition; TTN-related disease; TTN-related disorders.
Cardiovascular phenotype. Identifiers: MedGen CN230736.
Dilated cardiomyopathy 1G (CMD1G). Identifiers: Orphanet 154, MedGen C1858763, MONDO:0011400, OMIM 604145.
Autosomal recessive limb-girdle muscular dystrophy type 2J (LGMDR10). Also called: Limb-girdle muscular dystrophy, type 2J; MUSCULAR DYSTROPHY, LIMB-GIRDLE, AUTOSOMAL RECESSIVE 10. Identifiers: Orphanet 140922, MedGen C1837342, MONDO:0012127, OMIM 608807.

Allele frequency attached by ClinVar (database versions not stated): gnomAD exomes 0.00005 and 0.00015; ExAC 0.00020; gnomAD 0.00042 and 0.00048; TOPMed 0.00052; ESP Exome Variant Server 0.00059; 1000 Genomes Project 0.00060; 1000 Genomes Project 30x 0.00062.
gnomAD v4.1: 138 of 1,599,480 alleles (0.0086%); highest among the groups gnomAD compares: African/African-American, 0.17%; 1 homozygote.

Submissions (7):

Labcorp Genetics (formerly Invitae), Labcorp
Classification: Likely benign for Dilated cardiomyopathy 1G; Autosomal recessive limb-girdle muscular dystrophy type 2J. Last evaluated: 2026-01-25. Review status: criteria provided, single submitter. Criteria: Invitae Variant Classification Sherloc (09022015). Collection method: clinical testing. Allele origin: germline.

PreventionGenetics, part of Exact Sciences
Classification: Likely benign for TTN-related condition. Last evaluated: 2025-05-22. Review status: criteria provided, single submitter. Criteria: ACMG Guidelines, 2015. Collection method: clinical testing. Allele origin: germline.
Comment: This variant is classified as likely benign based on ACMG/AMP sequence variant interpretation guidelines (Richards et al. 2015 PMID: 25741868, with internal and published modifications).

Revvity Omics, Revvity
Classification: Uncertain significance. Last evaluated: 2024-12-24. Review status: criteria provided, single submitter. Criteria: ACMG Guidelines, 2015. Collection method: clinical testing. Allele origin: germline.

GeneDx
Classification: Likely benign. Last evaluated: 2021-02-24. Review status: criteria provided, single submitter. Criteria: GeneDx Variant Classification Process June 2021. Collection method: clinical testing. Allele origin: germline. Affected: yes.

Ambry Genetics
Classification: Likely benign for Cardiovascular phenotype. Last evaluated: 2018-07-10. Review status: criteria provided, single submitter. Criteria: Ambry Variant Classification Scheme 2023. Collection method: clinical testing. Allele origin: germline.

Eurofins Ntd Llc (ga)
Classification: Uncertain significance. Last evaluated: 2017-08-03. Review status: criteria provided, single submitter. Criteria: EGL Classification Definitions 2015. Collection method: clinical testing. Allele origin: germline. Observed: 4 variant alleles, 4 heterozygotes.

Laboratory for Molecular Medicine, Mass General Brigham Personalized Medicine
Classification: Uncertain significance. Last evaluated: 2015-11-13. Review status: criteria provided, single submitter. Criteria: LMM Criteria. Collection method: clinical testing. Allele origin: germline. Observed: 1 variant allele.
Comment: Variant classified as Uncertain Significance - Favor Benign. The p.Arg15905Gly v ariant in TTN has not been previously reported in individuals with cardiomyopath y, but has been identified in 0.2% (23/9766) of African chromosomes by the Exome Aggregation Consortium (ExAC; dbSNP rs72646822) . Computational prediction tools and conservation analysis suggest that the p.Ar g15905Gly variant may impact the protein, though this information is not predict ive enough to determine pathogenicity. In summary, while the clinical significan ce of the p.Arg15905Gly variant is uncertain, its frequency suggests that it is more likely to be benign.

NM_001267550.2(TTN):c.55417A>G (p.Arg18473Gly)

Genes: TTN-AS1 (TTN antisense RNA 1; plus strand), TTN (titin; minus strand). Cytogenetic location: 2q31.2.
Variant type: single nucleotide variant.
Coding change: c.55417A>G on transcript NM_001267550.2 (MANE Select); coding-DNA position 55417, A replaced by G.
Protein change: p.Arg18473Gly; replaces arginine 18473 with glycine.
Molecular consequence: missense variant.
Genome position (GRCh38, 1-based): chr2:178,601,673, T>C on the plus strand (A>G on the coding strand, the complement: TTN is on the minus strand). VCF-style: chr2-178601673-T-C. GRCh37 (hg19) VCF-style: chr2-179466400-T-C.
Other names: p.R16832G:AGA>GGA; c.50494A>G, p.Arg16832Gly (NM_001256850.1); c.47713A>G, p.Arg15905Gly (NM_133378.4); c.28222A>G, p.Arg9408Gly (NM_003319.4); c.28597A>G, p.Arg9533Gly (NM_133432.3); c.28798A>G, p.Arg9600Gly (NM_133437.4); short protein forms R16832G, R18473G, R15905G, R9533G, R9600G, R9408G.
Identifiers: ClinVar variation 202725 (VCV000202725.27), dbSNP rs72646822, ClinGen allele CA310095.